The following is an entry in ClinVar:

ClinVar aggregate classification (germline): Uncertain significance. Review status: criteria provided, multiple submitters, no conflicts (2 of 4 stars). 2 submissions from 2 submitters: Uncertain significance (2). Last evaluated 2024-10-16.

Allele frequency attached by ClinVar (database versions not stated): gnomAD exomes below 0.00001.
gnomAD v4.1: 2 of 1,613,646 alleles (0.00012%); highest among the groups gnomAD compares: Non-Finnish European, 0.00017%; no homozygotes.

Submissions (2):

ARUP Laboratories, Molecular Genetics and Genomics, ARUP Laboratories
Classification: Uncertain significance. Last evaluated: 2024-10-16. Review status: criteria provided, single submitter. Criteria: ARUP Molecular Germline Variant Investigation Process 2024. Collection method: clinical testing. Allele origin: germline.
Comment: The ELP1 c.1909G>A; p.Val637Ile variant (rs1384443720), to our knowledge, is not reported in the medical literature but is reported in ClinVar (Variation ID: 2194167). This variant is only observed on one allele in the Genome Aggregation Database (v2.1.1), indicating it is not a common polymorphism. Computational analyses predict that this variant is neutral (REVEL: 0.046). However, given the lack of clinical and functional data, the significance of this variant is uncertain at this time.

Labcorp Genetics (formerly Invitae), Labcorp
Classification: Uncertain significance. Last evaluated: 2022-04-05. Review status: criteria provided, single submitter. Criteria: Invitae Variant Classification Sherloc (09022015). Collection method: clinical testing. Allele origin: germline.
Comment: This sequence change replaces valine, which is neutral and non-polar, with isoleucine, which is neutral and non-polar, at codon 637 of the ELP1 protein (p.Val637Ile). This variant is present in population databases (no rsID available, gnomAD 0.0009%). This variant has not been reported in the literature in individuals affected with ELP1-related conditions. Algorithms developed to predict the effect of missense changes on protein structure and function output the following: SIFT: "Tolerated"; PolyPhen-2: "Benign"; Align-GVGD: "Class C0". The isoleucine amino acid residue is found in multiple mammalian species, which suggests that this missense change does not adversely affect protein function. In summary, the available evidence is currently insufficient to determine the role of this variant in disease. Therefore, it has been classified as a Variant of Uncertain Significance.

NM_003640.5(ELP1):c.1909G>A (p.Val637Ile)

Gene: ELP1 (elongator acetyltransferase complex subunit 1; minus strand). Cytogenetic location: 9q31.3.
Variant type: single nucleotide variant.
Coding change: c.1909G>A on transcript NM_003640.5 (MANE Select); coding-DNA position 1909, G replaced by A.
Protein change: p.Val637Ile; replaces valine 637 with isoleucine.
Molecular consequence: missense variant.
Genome position (GRCh38, 1-based): chr9:108,901,530, C>T on the plus strand (G>A on the coding strand, the complement: ELP1 is on the minus strand). VCF-style: chr9-108901530-C-T. GRCh37 (hg19) VCF-style: chr9-111663810-C-T.
Other names: c.1567G>A, p.Val523Ile (NM_001318360.2); c.862G>A, p.Val288Ile (NM_001330749.2); short protein forms V523I, V288I, V637I.
Identifiers: ClinVar variation 2194167 (VCV002194167.2), dbSNP rs1384443720, ClinGen allele CA374424631.